The following is an entry in ClinVar:

ClinVar aggregate classification (germline): Uncertain significance (1 of 4 stars; one submission).

Submission:

Labcorp Genetics (formerly Invitae), Labcorp
Classification: Uncertain significance. Last evaluated: 2020-01-16. Review status: criteria provided, single submitter. Criteria: Invitae Variant Classification Sherloc (09022015). Collection method: clinical testing. Allele origin: germline.
Comment: In summary, the available evidence is currently insufficient to determine the role of this variant in disease. Therefore, it has been classified as a Variant of Uncertain Significance. Algorithms developed to predict the effect of missense changes on protein structure and function are either unavailable or do not agree on the potential impact of this missense change (SIFT: "Deleterious"; PolyPhen-2: "Benign"; Align-GVGD: "Class C0"). This variant has not been reported in the literature in individuals with MTOR-related conditions. This variant is not present in population databases (ExAC no frequency). This sequence change replaces glutamic acid with lysine at codon 1362 of the MTOR protein (p.Glu1362Lys). The glutamic acid residue is highly conserved and there is a small physicochemical difference between glutamic acid and lysine.

NM_004958.4(MTOR):c.4084G>A (p.Glu1362Lys)

Gene: MTOR (mechanistic target of rapamycin kinase; minus strand). Cytogenetic location: 1p36.22.
Variant type: single nucleotide variant.
Coding change: c.4084G>A on transcript NM_004958.4 (MANE Select); coding-DNA position 4084, G replaced by A.
Protein change: p.Glu1362Lys; replaces glutamic acid 1362 with lysine.
Molecular consequence: missense variant.
Genome position (GRCh38, 1-based): chr1:11,199,564, C>T on the plus strand (G>A on the coding strand, the complement: MTOR is on the minus strand). VCF-style: chr1-11199564-C-T. GRCh37 (hg19) VCF-style: chr1-11259621-C-T.
Other names: c.4084G>A, p.Glu1362Lys (NM_001386500.1); c.2836G>A, p.Glu946Lys (NM_001386501.1); short protein forms E1362K, E946K.
Identifiers: ClinVar variation 1052989 (VCV001052989.9), dbSNP rs2100745856, ClinGen allele CA338390126.